The following is an entry in ClinVar:

NM_000059.4(BRCA2):c.6818GAG[1] (p.Gly2274del)

Gene: BRCA2 (BRCA2 DNA repair associated; plus strand). Cytogenetic location: 13q13.1.
Variant type: Microsatellite.
Coding change: c.6818GAG[1] on transcript NM_000059.4 (MANE Select); one copy of the 3-base unit GAG starting at c.6818; the reference has two copies in a row; one copy, 3 bases deleted.
Protein change: p.Gly2274del; deletes glycine 2274.
Molecular consequence: inframe deletion.
Genome position (GRCh38, 1-based): chr13:32,341,176-32,341,178, GAG deleted; deleting any 3 consecutive bases within chr13:32,341,173-32,341,178 gives the same sequence; the position shown is the placement nearest the transcript's 3' end. VCF-style (leftmost placement, unchanged base first): chr13-32341172-AGAG-A. GRCh37 (hg19) VCF-style: chr13-32915309-AGAG-A.
Other names: c.6821_6823delGAG (NM_000059.3); short protein forms G2274del.
Identifiers: ClinVar variation 1023428 (VCV001023428.11), dbSNP rs746033637, ClinGen allele CA6940988.

ClinVar aggregate classification (germline): Uncertain significance. Review status: criteria provided, multiple submitters, no conflicts (2 of 4 stars). 3 submissions from 3 submitters: Uncertain significance (3). Last evaluated 2026-01-14.

Conditions:
Hereditary cancer-predisposing syndrome. Also called: Hereditary neoplastic syndrome; Neoplastic Syndromes, Hereditary; Tumor predisposition; Hereditary Cancer Syndrome. Identifiers: Orphanet 140162, MedGen C0027672, MeSH D009386, MONDO:0015356.
Hereditary breast ovarian cancer syndrome. Also called: BRCA1- and BRCA2-Associated Hereditary Breast and Ovarian Cancer; Hereditary breast and/or ovarian cancer syndrome; Hereditary breast and ovarian cancer syndrome; Hereditary breast and ovarian cancer syndrome (HBOC); Breast and ovarian cancer; Hereditary breast and ovarian cancer. Identifiers: Orphanet 145, MedGen C0677776, MeSH D061325, MONDO:0003582. Disease mechanism: loss of function.
Breast-ovarian cancer, familial, susceptibility to, 2 (BROVCA2). Also called: BRCA2 Hereditary Breast and Ovarian Cancer. Identifiers: Orphanet 145, MedGen C2675520, MONDO:0012933, OMIM 612555. Disease mechanism: loss of function.

Submissions (3):

Labcorp Genetics (formerly Invitae), Labcorp
Classification: Uncertain significance for Hereditary breast ovarian cancer syndrome. Last evaluated: 2026-01-14. Review status: criteria provided, single submitter. Criteria: Invitae Variant Classification Sherloc (09022015). Collection method: clinical testing. Allele origin: germline.
Comment: This variant, c.6821_6823del, results in the deletion of 1 amino acid(s) of the BRCA2 protein (p.Gly2274del), but otherwise preserves the integrity of the reading frame. This variant is present in population databases (rs746033637, gnomAD 0.01%). This variant has not been reported in the literature in individuals affected with BRCA2-related conditions. ClinVar contains an entry for this variant (Variation ID: 1023428). Experimental studies and prediction algorithms are not available or were not evaluated, and the functional significance of this variant is currently unknown. In summary, the available evidence is currently insufficient to determine the role of this variant in disease. Therefore, it has been classified as a Variant of Uncertain Significance.

Ambry Genetics
Classification: Uncertain significance for Hereditary cancer-predisposing syndrome. Last evaluated: 2025-08-05. Review status: criteria provided, single submitter. Criteria: Ambry Variant Classification Scheme 2023. Collection method: clinical testing. Allele origin: germline.
Comment: The c.6821_6823delGAG variant (also known as p.G2274del) is located in coding exon 10 of the BRCA2 gene. This variant results from an in-frame GAG deletion at nucleotide positions 6821 to 6823. This results in the in-frame deletion of a glycine at codon 2274. This amino acid position is not well conserved in available vertebrate species. In addition, the in silico prediction for this variant is inconclusive (Choi Y et al. PLoS ONE. 2012; 7(10):e46688). Based on the available evidence, the clinical significance of this variant remains unclear.

All of Us Research Program, National Institutes of Health
Classification: Uncertain significance for Breast-ovarian cancer, familial, susceptibility to, 2. Last evaluated: 2023-08-15. Review status: criteria provided, single submitter. Criteria: ACMG Guidelines, 2015. Collection method: clinical testing. Allele origin: germline. Inheritance: Autosomal dominant inheritance. Observed: 1 variant allele, 1 heterozygote.
Comment: This study involves interpretation of variants in research participants for the purpose of population health screening. Participant phenotype was not available at the time of variant classification. Additional details can be found in publication PMID: 35346344, PMCID: PMC8962531